The following is an entry in ClinVar:

ClinVar aggregate classification (germline): Pathogenic. Review status: criteria provided, multiple submitters, no conflicts (2 of 4 stars). 2 submissions from 2 submitters: Pathogenic (2). Last evaluated 2021-03-09.

Conditions:
Marfan syndrome (MFS). Also called: MARFAN SYNDROME, TYPE I; FBN1-Related Marfan Syndrome; Marfan syndrome, classic; Marfan syndrome type 1; Marfan's syndrome. Identifiers: Orphanet 284963, Orphanet 558, MedGen C0024796, MONDO:0007947, OMIM 154700.
Familial thoracic aortic aneurysm and aortic dissection (TAAD). Also called: Thoracic aortic aneurysms and dissections. Identifiers: Orphanet 91387, MedGen C4707243, MONDO:0019625.

Submissions (2):

Labcorp Genetics (formerly Invitae), Labcorp
Classification: Pathogenic for Marfan syndrome; Familial thoracic aortic aneurysm and aortic dissection. Last evaluated: 2021-03-09. Review status: criteria provided, single submitter. Criteria: Invitae Variant Classification Sherloc (09022015). Collection method: clinical testing. Allele origin: germline.
Comment: This sequence change creates a premature translational stop signal (p.Lys2848Asnfs*15) in the FBN1 gene. While this is not anticipated to result in nonsense mediated decay, it is expected to disrupt the last 24 amino acid(s) of the FBN1 protein. This variant is not present in population databases (ExAC no frequency). This variant has not been reported in the literature in individuals with FBN1-related conditions. ClinVar contains an entry for this variant (Variation ID: 200175). This variant disrupts the C-terminus of the FBN1 protein. Other variant(s) that disrupt this region (p.Gly2859Valfs*4) have been determined to be pathogenic (Invitae). This suggests that variants that disrupt this region of the protein are likely to be causative of disease. For these reasons, this variant has been classified as Pathogenic.

GeneDx
Classification: Pathogenic. Last evaluated: 2012-12-07. Review status: criteria provided, single submitter. Criteria: GeneDx Variant Classification (06012015). Collection method: clinical testing. Allele origin: germline. Affected: yes.
Comment: Although the c.8544delA variant in the FBN1 gene has not been reported to our knowledge, this variant causes a shift in reading frame starting at codon Lysine 2848, changing it to a Asparagine, and creating a premature stop codon at position 15 of the new reading frame, denoted p.Lys2848AsnfsX15. This variant is expected to result in an abnormal, truncated protein product. Other frameshift variants in the FBN1 gene have been reported in association with Marfan syndrome. In summary, c.8544delA in the FBN1 gene is interpreted as a pathogenic variant.

NM_000138.5(FBN1):c.8544del (p.Lys2848fs)

Gene: FBN1 (fibrillin 1; minus strand). Cytogenetic location: 15q21.1.
Variant type: Deletion.
Coding change: c.8544del on transcript NM_000138.5 (MANE Select); coding-DNA position 8544, one base deleted (A; older notation c.8544delA).
Protein change: p.Lys2848fs; shifts the reading frame from lysine 2848.
Molecular consequence: frameshift variant.
Genome position (GRCh38, 1-based): chr15:48,411,062, T deleted on the plus strand (A on the coding strand, the reverse complement: FBN1 is on the minus strand); the first of 3 consecutive T bases (chr15:48,411,062-48,411,064); deleting any one gives the same sequence. VCF-style (leftmost placement, unchanged base first): chr15-48411061-AT-A. GRCh37 (hg19) VCF-style: chr15-48703258-AT-A.
Other names: c.8544delA (NM_000138.4); short protein forms K2848fs.
Identifiers: ClinVar variation 200175 (VCV000200175.9), dbSNP rs794728323, ClinGen allele CA017809.